The following is an entry in ClinVar:

ClinVar aggregate classification (germline): Benign. Review status: criteria provided, multiple submitters, no conflicts (2 of 4 stars). 3 submissions from 3 submitters: Benign (2). 1 of the submissions does not count toward it. Last evaluated 2018-06-21.

Conditions:
PTPN1-related disorder. Also called: PTPN1-related condition.

Allele frequency attached by ClinVar (database versions not stated): gnomAD exomes 0.00288 and 0.00774; ExAC 0.00881; 1000 Genomes Project 30x 0.02217; 1000 Genomes Project 0.02256; gnomAD 0.02371 and 0.02552; TOPMed 0.02698; ESP Exome Variant Server 0.02791.
gnomAD v4.1: 8,080 of 1,604,760 alleles (0.5%); highest among the groups gnomAD compares: African/African-American, 7.7%; 248 homozygotes.

Submissions (3):

Labcorp Genetics (formerly Invitae), Labcorp
Classification: Benign. Last evaluated: 2018-06-21. Review status: criteria provided, single submitter. Criteria: Invitae Variant Classification Sherloc (09022015). Collection method: clinical testing. Allele origin: germline.

Breakthrough Genomics
Classification: Benign. Review status: criteria provided, single submitter. Criteria: ACMG Guidelines, 2015. Collection method: not provided. Allele origin: germline. Inheritance: Autosomal dominant inheritance. Affected: yes.

PreventionGenetics, part of Exact Sciences
Classification: Benign for PTPN1-related condition. Last evaluated: 2019-11-16. Review status: no assertion criteria provided. Collection method: clinical testing. Allele origin: germline. Not counted in ClinVar's aggregate classification.
Comment: This variant is classified as benign based on ACMG/AMP sequence variant interpretation guidelines (Richards et al. 2015 PMID: 25741868, with internal and published modifications).

NM_002827.4(PTPN1):c.492A>G (p.Thr164=)

Gene: PTPN1 (protein tyrosine phosphatase non-receptor type 1; plus strand). Cytogenetic location: 20q13.13.
Variant type: single nucleotide variant.
Coding change: c.492A>G on transcript NM_002827.4 (MANE Select); coding-DNA position 492, A replaced by G.
Protein change: p.Thr164=; no amino-acid change (threonine 164 retained).
Molecular consequence: synonymous variant.
Genome position (GRCh38, 1-based): chr20:50,574,654, A>G. VCF-style: chr20-50574654-A-G. GRCh37 (hg19) VCF-style: chr20-49191191-A-G.
Other names: c.273A>G, p.Thr91= (NM_001278618.2).
Identifiers: ClinVar variation 773088 (VCV000773088.6), dbSNP rs35414863, ClinGen allele CA9906482.